The following is an entry in ClinVar:

ClinVar aggregate classification (germline): Uncertain significance. Review status: criteria provided, multiple submitters, no conflicts (2 of 4 stars). 2 submissions from 2 submitters: Uncertain significance (2). Last evaluated 2024-04-25.

Allele frequency attached by ClinVar (database versions not stated): gnomAD exomes below 0.00001.
gnomAD v4.1: 1 of 1,614,124 alleles (0.000062%); highest among the groups gnomAD compares: Admixed American, 0.0017%; no homozygotes.

Submissions (2):

Labcorp Genetics (formerly Invitae), Labcorp
Classification: Uncertain significance. Last evaluated: 2024-04-25. Review status: criteria provided, single submitter. Criteria: Invitae Variant Classification Sherloc (09022015). Collection method: clinical testing. Allele origin: germline.
Comment: This sequence change replaces tyrosine, which is neutral and polar, with cysteine, which is neutral and slightly polar, at codon 159 of the TNFAIP3 protein (p.Tyr159Cys). This variant is present in population databases (no rsID available, gnomAD 0.003%). This variant has not been reported in the literature in individuals affected with TNFAIP3-related conditions. Advanced modeling of protein sequence and biophysical properties (such as structural, functional, and spatial information, amino acid conservation, physicochemical variation, residue mobility, and thermodynamic stability) has been performed at Invitae for this missense variant, however the output from this modeling did not meet the statistical confidence thresholds required to predict the impact of this variant on TNFAIP3 protein function. In summary, the available evidence is currently insufficient to determine the role of this variant in disease. Therefore, it has been classified as a Variant of Uncertain Significance.

GeneDx
Classification: Uncertain significance. Last evaluated: 2021-05-27. Review status: criteria provided, single submitter. Criteria: GeneDx Variant Classification Process June 2021. Collection method: clinical testing. Allele origin: germline. Affected: yes.
Comment: In silico analysis supports that this missense variant has a deleterious effect on protein structure/function; Has not been previously published as pathogenic or benign to our knowledge

NM_001270508.2(TNFAIP3):c.476A>G (p.Tyr159Cys)

Gene: TNFAIP3 (TNF alpha induced protein 3; plus strand). Cytogenetic location: 6q23.3.
Variant type: single nucleotide variant.
Coding change: c.476A>G on transcript NM_001270508.2 (MANE Select); coding-DNA position 476, A replaced by G.
Protein change: p.Tyr159Cys; replaces tyrosine 159 with cysteine.
Molecular consequence: missense variant.
Genome position (GRCh38, 1-based): chr6:137,875,025, A>G. VCF-style: chr6-137875025-A-G. GRCh37 (hg19) VCF-style: chr6-138196162-A-G.
Other names: c.476A>G (NM_006290.3); c.476A>G, p.Tyr159Cys (NM_001270507.2, NM_006290.4); short protein forms Y159C.
Identifiers: ClinVar variation 2878472 (VCV002878472.4), dbSNP rs1390830383, ClinGen allele CA365782556.